The following is an entry in ClinVar:

ClinVar aggregate classification (germline): Conflicting classifications of pathogenicity. Review status: criteria provided, conflicting classifications (1 of 4 stars). 4 submissions from 4 submitters: Pathogenic (2); Uncertain significance (2). Last evaluated 2026-03-23.

Conditions:
Hypotonia, ataxia, and delayed development syndrome (HADDS). Also called: EBF3 Neurodevelopmental Disorder. Identifiers: Orphanet 658843, MedGen C4310618, MONDO:0015021, OMIM 617330.

Submissions (4):

Laboratorio de Genetica e Diagnostico Molecular, Hospital Israelita Albert Einstein
Classification: Uncertain significance for Hypotonia, ataxia, and delayed development syndrome. Last evaluated: 2026-03-23. Review status: criteria provided, single submitter. Criteria: ACMG Guidelines, 2015. Collection method: clinical testing. Allele origin: germline. Affected: yes.
Comment: ACMG classification criteria: PS2 supporting, PS4 moderate, PM2 supporting, PP2 supporting, BP4 supporting

GeneDx
Classification: Pathogenic. Last evaluated: 2023-09-24. Review status: criteria provided, single submitter. Criteria: GeneDx Variant Classification Process June 2021. Collection method: clinical testing. Allele origin: germline. Affected: yes.
Comment: Not observed at significant frequency in large population cohorts (gnomAD); In silico analysis supports that this missense variant does not alter protein structure/function; This variant is associated with the following publications: (PMID: 37532691)

CeGaT Center for Human Genetics Tuebingen
Classification: Pathogenic. Last evaluated: 2023-06-01. Review status: criteria provided, single submitter. Criteria: CeGaT Center For Human Genetics Tuebingen Variant Classification Criteria Version 2. Collection method: clinical testing. Allele origin: germline. Affected: yes. Observed: 1 variant allele.
Comment: EBF3: PS2:Very Strong, PM2, PS4:Moderate, PP2

Juno Genomics, Hangzhou Juno Genomics, Inc
Classification: Uncertain significance for Hypotonia, ataxia, and delayed development syndrome. Review status: criteria provided, single submitter. Criteria: ACMG Guidelines, 2015. Collection method: clinical testing. Allele origin: germline. Affected: yes.
Comment: Absent from controls (or at extremely low frequency if recessive) in Genome Aggregation Database, Exome Sequencing Project, 1000 Genomes Project, or Exome Aggregation Consortium.;De novo (both maternity and paternity confirmed) in a patient with the disease and no family history.;Missense variant in a gene that has a low rate of benign missense variation and where missense variants are a common mechanism of disease.;Patient's phenotype or family history is highly specific for a disease with a single genetic etiology.

NM_001375380.1(EBF3):c.661G>A (p.Val221Met)

Gene: EBF3 (EBF transcription factor 3; minus strand). Cytogenetic location: 10q26.3.
Variant type: single nucleotide variant.
Coding change: c.661G>A on transcript NM_001375380.1 (MANE Select); coding-DNA position 661, G replaced by A.
Protein change: p.Val221Met; replaces valine 221 with methionine.
Molecular consequence: missense variant.
Genome position (GRCh38, 1-based): chr10:129,873,572, C>T on the plus strand (G>A on the coding strand, the complement: EBF3 is on the minus strand). VCF-style: chr10-129873572-C-T. GRCh37 (hg19) VCF-style: chr10-131671836-C-T.
Other names: c.661G>A, p.Val221Met (NM_001005463.3, NM_001375379.1, NM_001375389.1 and 3 more transcripts); short protein forms V221M.
Identifiers: ClinVar variation 1675273 (VCV001675273.33), dbSNP rs2134108332, ClinGen allele CA378910055.
Genomic context (GRCh38, chr10:129,873,572, plus strand): 5'-CGTGTTTGGAATTGTTGTGCACAAACATGTTGTCTGACACGGCCAGCACGTGGCCGTCCA[C>T]GTTGACTGTTGTCGATACAACAACCTGCAAAGATGAAGTGGATTTGAAAATGGAATTGGC-3'
Protein context (NP_001362309.1, residues 211-231): FQVVVSTTVN[Val221Met]DGHVLAVSDN